The following is an entry in ClinVar:

ClinVar aggregate classification (germline): Uncertain significance (1 of 4 stars; one submission).

Allele frequency attached by ClinVar (database versions not stated): ExAC 0.00001; gnomAD 0.00001; gnomAD exomes 0.00001; TOPMed 0.00001; ESP Exome Variant Server 0.00008.
gnomAD v4.1: 14 of 1,613,594 alleles (0.00087%); highest among the groups gnomAD compares: East Asian, 0.0022%; no homozygotes.

Submission:

Labcorp Genetics (formerly Invitae), Labcorp
Classification: Uncertain significance. Last evaluated: 2025-03-31. Review status: criteria provided, single submitter. Criteria: Invitae Variant Classification Sherloc (09022015). Collection method: clinical testing. Allele origin: germline.
Comment: This sequence change replaces arginine, which is basic and polar, with cysteine, which is neutral and slightly polar, at codon 132 of the DHCR24 protein (p.Arg132Cys). This variant is present in population databases (rs149238468, gnomAD 0.0009%). This variant has not been reported in the literature in individuals affected with DHCR24-related conditions. ClinVar contains an entry for this variant (Variation ID: 2167009). Invitae Evidence Modeling of protein sequence and biophysical properties (such as structural, functional, and spatial information, amino acid conservation, physicochemical variation, residue mobility, and thermodynamic stability) has been performed for this missense variant. However, the output from this modeling did not meet the statistical confidence thresholds required to predict the impact of this variant on DHCR24 protein function. In summary, the available evidence is currently insufficient to determine the role of this variant in disease. Therefore, it has been classified as a Variant of Uncertain Significance.

NM_014762.4(DHCR24):c.394C>T (p.Arg132Cys)

Gene: DHCR24 (24-dehydrocholesterol reductase; minus strand). Cytogenetic location: 1p32.3.
Variant type: single nucleotide variant.
Coding change: c.394C>T on transcript NM_014762.4 (MANE Select); coding-DNA position 394, C replaced by T.
Protein change: p.Arg132Cys; replaces arginine 132 with cysteine.
Molecular consequence: missense variant.
Genome position (GRCh38, 1-based): chr1:54,876,041, G>A on the plus strand (C>T on the coding strand, the complement: DHCR24 is on the minus strand). VCF-style: chr1-54876041-G-A. GRCh37 (hg19) VCF-style: chr1-55341714-G-A.
Other names: short protein forms R132C.
Identifiers: ClinVar variation 2167009 (VCV002167009.4), dbSNP rs149238468, ClinGen allele CA870838.